The following is an entry in ClinVar:

NM_003072.5(SMARCA4):c.4465C>G (p.Pro1489Ala)

Gene: SMARCA4 (SWI/SNF related BAF chromatin remodeling complex subunit ATPase 4; plus strand). Cytogenetic location: 19p13.2.
Variant type: single nucleotide variant.
Coding change: c.4465C>G on transcript NM_003072.5 (MANE Select); coding-DNA position 4465, C replaced by G.
Protein change: p.Pro1489Ala; replaces proline 1489 with alanine.
Molecular consequence: missense variant. On other transcripts: non-coding transcript variant (1).
Genome position (GRCh38, 1-based): chr19:11,058,295, C>G. VCF-style: chr19-11058295-C-G. GRCh37 (hg19) VCF-style: chr19-11168971-C-G.
Other names: c.4465C>G, p.Pro1489Ala (NM_001128844.3); c.4375C>G, p.Pro1459Ala (NM_001128845.2); c.4372C>G, p.Pro1458Ala (NM_001128846.2); c.4366C>G, p.Pro1456Ala (NM_001128847.4, NM_001374457.1); c.4363C>G, p.Pro1455Ala (NM_001128848.2); c.4561C>G, p.Pro1521Ala (NM_001128849.3, NM_001387283.1); short protein forms P1521A, P1455A, P1458A, P1456A, P1459A, P1489A.
Identifiers: ClinVar variation 1498153 (VCV001498153.6), dbSNP rs2147086024, ClinGen allele CA404077486.
Genomic context (GRCh38, chr19:11,058,295, plus strand): 5'-CCGCCGGTTCTGCCTTGCAGCAGCAGTGGACGTCAGCTCAGCGAGGTCTTCATCCAGCTG[C>G]CCTCGCGAAAGGAGCTGCCCGAGTACTACGAGCTCATCCGCAAGCCCGTGGACTTCAAGA-3'
Protein context (NP_003063.2, residues 1479-1499): RQLSEVFIQL[Pro1489Ala]SRKELPEYYE

ClinVar aggregate classification (germline): Uncertain significance (1 of 4 stars; one submission).

Conditions:
Rhabdoid tumor predisposition syndrome 2 (RTPS2). Identifiers: Orphanet 231108, Orphanet 69077, MedGen C2750074, MONDO:0013224, OMIM 613325.

Submission:

Labcorp Genetics (formerly Invitae), Labcorp
Classification: Uncertain significance for Rhabdoid tumor predisposition syndrome 2. Last evaluated: 2021-08-13. Review status: criteria provided, single submitter. Criteria: Invitae Variant Classification Sherloc (09022015). Collection method: clinical testing. Allele origin: germline.
Comment: This variant has not been reported in the literature in individuals affected with SMARCA4-related conditions. Algorithms developed to predict the effect of missense changes on protein structure and function are either unavailable or do not agree on the potential impact of this missense change (SIFT: "Deleterious"; PolyPhen-2: "Benign"; Align-GVGD: "Class C25"). In summary, the available evidence is currently insufficient to determine the role of this variant in disease. Therefore, it has been classified as a Variant of Uncertain Significance. This variant is not present in population databases (ExAC no frequency). This sequence change replaces proline with alanine at codon 1521 of the SMARCA4 protein (p.Pro1521Ala). The proline residue is highly conserved and there is a small physicochemical difference between proline and alanine.